The following is an entry in ClinVar:

ClinVar aggregate classification (germline): Uncertain significance. Review status: criteria provided, multiple submitters, no conflicts (2 of 4 stars). 2 submissions from 2 submitters: Uncertain significance (2). Last evaluated 2025-09-19.

Conditions:
Hereditary cancer-predisposing syndrome. Also called: Hereditary neoplastic syndrome; Tumor predisposition; Neoplastic Syndromes, Hereditary; Hereditary Cancer Syndrome. Identifiers: Orphanet 140162, MedGen C0027672, MeSH D009386, MONDO:0015356.

Submissions (2):

Ambry Genetics
Classification: Uncertain significance for Hereditary cancer-predisposing syndrome. Last evaluated: 2025-09-19. Review status: criteria provided, single submitter. Criteria: Ambry Variant Classification Scheme 2023. Collection method: clinical testing. Allele origin: germline.
Comment: The p.V40L variant (also known as c.118G>T), located in coding exon 2 of the CTNNA1 gene, results from a G to T substitution at nucleotide position 118. The valine at codon 40 is replaced by leucine, an amino acid with highly similar properties. This amino acid position is conserved. In addition, this alteration is predicted to be deleterious by in silico analysis. Based on the available evidence, the clinical significance of this variant remains unclear.

Labcorp Genetics (formerly Invitae), Labcorp
Classification: Uncertain significance. Last evaluated: 2019-09-26. Review status: criteria provided, single submitter. Criteria: Invitae Variant Classification Sherloc (09022015). Collection method: clinical testing. Allele origin: germline.
Comment: This sequence change replaces valine with leucine at codon 40 of the CTNNA1 protein (p.Val40Leu). The valine residue is highly conserved and there is a small physicochemical difference between valine and leucine. This variant is not present in population databases (ExAC no frequency). This variant has not been reported in the literature in individuals with CTNNA1-related conditions. Algorithms developed to predict the effect of missense changes on protein structure and function are either unavailable or do not agree on the potential impact of this missense change (SIFT: "Deleterious"; PolyPhen-2: "Possibly Damaging"; Align-GVGD: "Class C0"). In summary, the available evidence is currently insufficient to determine the role of this variant in disease. Therefore, it has been classified as a Variant of Uncertain Significance.

NM_001903.5(CTNNA1):c.118G>T (p.Val40Leu)

Gene: CTNNA1 (catenin alpha 1; plus strand). Cytogenetic location: 5q31.2.
Variant type: single nucleotide variant.
Coding change: c.118G>T on transcript NM_001903.5 (MANE Select); coding-DNA position 118, G replaced by T.
Protein change: p.Val40Leu; replaces valine 40 with leucine.
Molecular consequence: missense variant. On other transcripts: 5 prime UTR variant (1), intron variant (1).
Genome position (GRCh38, 1-based): chr5:138,783,189, G>T. VCF-style: chr5-138783189-G-T. GRCh37 (hg19) VCF-style: chr5-138118878-G-T.
Other names: c.118G>T (NM_001903.2); c.118G>T, p.Val40Leu (NM_001290307.3, NM_001323982.2, NM_001323983.1 and 3 more transcripts); c.-89G>T (NM_001290310.3); c.-9+1160G>T (NM_001290309.3); short protein forms V40L.
Identifiers: ClinVar variation 955957 (VCV000955957.10), dbSNP rs1755320989, ClinGen allele CA361477283.